The following is an entry in ClinVar:

ClinVar aggregate classification (germline): Uncertain significance (1 of 4 stars; one submission).

Conditions:
Fanconi anemia (FA). Also called: Fanconi's anemia. Identifiers: Orphanet 84, MedGen C0015625, MeSH D005199, MONDO:0019391.

Allele frequency attached by ClinVar (database versions not stated): TOPMed below 0.00001.

Submission:

Labcorp Genetics (formerly Invitae), Labcorp
Classification: Uncertain significance for Fanconi anemia. Last evaluated: 2024-06-15. Review status: criteria provided, single submitter. Criteria: Invitae Variant Classification Sherloc (09022015). Collection method: clinical testing. Allele origin: germline.
Comment: This sequence change replaces threonine, which is neutral and polar, with methionine, which is neutral and non-polar, at codon 896 of the FANCD2 protein (p.Thr896Met). The frequency data for this variant in the population databases is considered unreliable, as metrics indicate poor data quality at this position in the gnomAD database. This missense change has been observed in individual(s) with breast cancer (PMID: 14695169). ClinVar contains an entry for this variant (Variation ID: 2160476). Advanced modeling of protein sequence and biophysical properties (such as structural, functional, and spatial information, amino acid conservation, physicochemical variation, residue mobility, and thermodynamic stability) performed at Invitae indicates that this missense variant is not expected to disrupt FANCD2 protein function with a negative predictive value of 80%. Algorithms developed to predict the effect of sequence changes on RNA splicing suggest that this variant may disrupt the consensus splice site. In summary, the available evidence is currently insufficient to determine the role of this variant in disease. Therefore, it has been classified as a Variant of Uncertain Significance.

Literature cited by the submitters: PubMed 14695169.

NM_001018115.3(FANCD2):c.2687C>T (p.Thr896Met)

Genes: FANCD2 (FA complementation group D2; plus strand), LOC107303338 (3p25 FANCD2 Alu-mediated recombination region; plus strand). Cytogenetic location: 3p25.3.
Variant type: single nucleotide variant.
Coding change: c.2687C>T on transcript NM_001018115.3 (MANE Select); coding-DNA position 2687, C replaced by T.
Protein change: p.Thr896Met; replaces threonine 896 with methionine.
Molecular consequence: missense variant.
Genome position (GRCh38, 1-based): chr3:10,073,334, C>T. VCF-style: chr3-10073334-C-T. GRCh37 (hg19) VCF-style: chr3-10115018-C-T.
Other names: c.2687C>T, p.Thr896Met (NM_001319984.2, NM_001374254.1, NM_033084.6); c.2576C>T, p.Thr859Met (NM_001374253.1); short protein forms T859M, T896M.
Identifiers: ClinVar variation 2160476 (VCV002160476.3), dbSNP rs796666228, ClinGen allele CA70018941.